The following is an entry in ClinVar:

NC_000007.13:g.(?_150642443)_(151385353_?)del

Genes: RHEB (Ras homolog, mTORC1 binding; minus strand), SLC4A2 (solute carrier family 4 member 2; plus strand), SMARCD3 (SWI/SNF related BAF chromatin remodeling complex subunit D3; minus strand), WDR86 (WD repeat domain 86; minus strand), TMUB1 (transmembrane and ubiquitin like domain containing 1; minus strand) and 16 more. Cytogenetic location: 7q36.1.
Variant type: Deletion.
Identifiers: ClinVar variation 1068862 (VCV001068862.1).

ClinVar aggregate classification (germline): Pathogenic (1 of 4 stars; one submission).

Conditions:
Long QT syndrome (LQTS). Identifiers: MedGen C0023976, MeSH D008133, MONDO:0002442. Disease mechanism: loss of function. Inheritance: Various modes of inheritance.

Submission:

Labcorp Genetics (formerly Invitae), Labcorp
Classification: Pathogenic for Long QT syndrome. Last evaluated: 2020-07-20. Review status: criteria provided, single submitter. Criteria: Invitae Variant Classification Sherloc (09022015). Collection method: clinical testing. Allele origin: germline.
Comment: A gross deletion of the genomic region encompassing the full coding sequence of the KCNH2 gene has been identified. The boundaries of this event are unknown as the deletion extends beyond the assayed region for this gene and therefore may encompass additional genes. This variant has not been reported in the literature in individuals with KCNH2-related conditions. Larger deletions of the 7q36.1,7q34 and 7q26.2 which encompass KCNH2, among other genes, have been reported in individuals affected with a range of symptoms including: seizures, long QT, prenatal growth retardation, intellectual disability and renal hyploplasia (PMID: 18348270, 16470702, 25606385, 19443486). Loss-of-function variants in KCNH2 are known to be pathogenic (PMID: 10973849, 19862833). For these reasons, this variant has been classified as Pathogenic.

Literature cited by the submitters: PubMed 18348270; PubMed 16470702; PubMed 25606385; PubMed 19443486; PubMed 10973849; PubMed 19862833.